The following is an entry in ClinVar:

NM_015215.4(CAMTA1):c.2395G>A (p.Asp799Asn)

Gene: CAMTA1 (calmodulin binding transcription activator 1; plus strand). Cytogenetic location: 1p36.23.
Variant type: single nucleotide variant.
Coding change: c.2395G>A on transcript NM_015215.4 (MANE Select); coding-DNA position 2395, G replaced by A.
Protein change: p.Asp799Asn; replaces aspartic acid 799 with asparagine.
Molecular consequence: missense variant.
Genome position (GRCh38, 1-based): chr1:7,664,942, G>A. VCF-style: chr1-7664942-G-A. GRCh37 (hg19) VCF-style: chr1-7725002-G-A.
Other names: c.2305G>A, p.Asp769Asn (NM_001349608.2, NM_001349612.2); c.2395G>A, p.Asp799Asn (NM_001349609.2, NM_001349610.2); short protein forms D769N, D799N.
Identifiers: ClinVar variation 1676890 (VCV001676890.4), dbSNP rs2095988690, ClinGen allele CA338134518.

ClinVar aggregate classification (germline): Uncertain significance (1 of 4 stars; one submission).

gnomAD v4.1: 1 of 1,613,066 alleles (0.000062%); no homozygotes.

Submission:

GeneDx
Classification: Uncertain significance. Last evaluated: 2023-09-07. Review status: criteria provided, single submitter. Criteria: GeneDx Variant Classification Process June 2021. Collection method: clinical testing. Allele origin: germline. Affected: yes.
Comment: Not observed at significant frequency in large population cohorts (gnomAD); In silico analysis supports that this missense variant does not alter protein structure/function; Has not been previously published as pathogenic or benign to our knowledge